The following is an entry in ClinVar:

ClinVar aggregate classification (germline): Uncertain significance (1 of 4 stars; one submission).

Conditions:
Cutis laxa, autosomal dominant 3 (ADCL3). Identifiers: Orphanet 90348, MedGen C4225268, MONDO:0014706, OMIM 616603.
Autosomal dominant spastic paraplegia type 9. Identifiers: MedGen C1832669, MONDO:0015091.
de Barsy syndrome. Also called: Cutis laxa-corneal clouding-oligophrenia syndrome. Identifiers: Orphanet 2962, MedGen C0268354, MONDO:0017569.

Submission:

Labcorp Genetics (formerly Invitae), Labcorp
Classification: Uncertain significance for Autosomal dominant spastic paraplegia type 9; de Barsy syndrome; Cutis laxa, autosomal dominant 3. Last evaluated: 2024-08-12. Review status: criteria provided, single submitter. Criteria: Invitae Variant Classification Sherloc (09022015). Collection method: clinical testing. Allele origin: germline.
Comment: This sequence change replaces valine, which is neutral and non-polar, with leucine, which is neutral and non-polar, at codon 642 of the ALDH18A1 protein (p.Val642Leu). This variant is not present in population databases (gnomAD no frequency). This variant has not been reported in the literature in individuals affected with ALDH18A1-related conditions. ClinVar contains an entry for this variant (Variation ID: 2120581). An algorithm developed to predict the effect of missense changes on protein structure and function (PolyPhen-2) suggests that this variant is likely to be tolerated. Algorithms developed to predict the effect of sequence changes on RNA splicing suggest that this variant may create or strengthen a splice site. In summary, the available evidence is currently insufficient to determine the role of this variant in disease. Therefore, it has been classified as a Variant of Uncertain Significance.

NM_002860.4(ALDH18A1):c.1924G>C (p.Val642Leu)

Gene: ALDH18A1 (aldehyde dehydrogenase 18 family member A1; minus strand). Cytogenetic location: 10q24.1.
Variant type: single nucleotide variant.
Coding change: c.1924G>C on transcript NM_002860.4 (MANE Select); coding-DNA position 1924, G replaced by C.
Protein change: p.Val642Leu; replaces valine 642 with leucine.
Molecular consequence: missense variant.
Genome position (GRCh38, 1-based): chr10:95,611,442, C>G on the plus strand (G>C on the coding strand, the complement: ALDH18A1 is on the minus strand). VCF-style: chr10-95611442-C-G. GRCh37 (hg19) VCF-style: chr10-97371199-C-G.
Other names: c.1918G>C, p.Val640Leu (NM_001017423.2, NM_001323415.2); c.1591G>C, p.Val531Leu (NM_001323412.2, NM_001323416.2); c.1924G>C, p.Val642Leu (NM_001323413.2, NM_001323414.2); c.1819G>C, p.Val607Leu (NM_001323417.2); c.1585G>C, p.Val529Leu (NM_001323418.2); c.1288G>C, p.Val430Leu (NM_001323419.2); short protein forms V430L, V529L, V531L, V642L, V640L, V607L.
Identifiers: ClinVar variation 2120581 (VCV002120581.4), dbSNP rs2526707075, ClinGen allele CA377700188.